The following is an entry in ClinVar:

ClinVar aggregate classification (germline): Uncertain significance. Review status: criteria provided, multiple submitters, no conflicts (2 of 4 stars). 3 submissions from 3 submitters: Uncertain significance (3). Last evaluated 2025-01-29.

Conditions:
Inborn genetic diseases. Identifiers: MedGen C0950123, MeSH D030342.
Charcot-Marie-Tooth disease axonal type 2F (CMT2F). Also called: CHARCOT-MARIE-TOOTH DISEASE, NEURONAL, TYPE 2F; Charcot-Marie-Tooth Neuropathy Type 2F. Identifiers: Orphanet 99940, MedGen C1847823, MONDO:0011687, OMIM 606595.

Allele frequency attached by ClinVar (database versions not stated): gnomAD 0.00001; gnomAD exomes 0.00001; TOPMed 0.00001.

Submissions (3):

Ambry Genetics
Classification: Uncertain significance for Inborn genetic diseases. Last evaluated: 2025-01-29. Review status: criteria provided, single submitter. Criteria: Ambry Variant Classification Scheme 2023. Collection method: clinical testing. Allele origin: germline.

Labcorp Genetics (formerly Invitae), Labcorp
Classification: Uncertain significance for Charcot-Marie-Tooth disease axonal type 2F. Last evaluated: 2025-01-02. Review status: criteria provided, single submitter. Criteria: Invitae Variant Classification Sherloc (09022015). Collection method: clinical testing. Allele origin: germline.
Comment: This sequence change replaces leucine, which is neutral and non-polar, with phenylalanine, which is neutral and non-polar, at codon 77 of the HSPB1 protein (p.Leu77Phe). This variant is present in population databases (no rsID available, gnomAD 0.003%). This variant has not been reported in the literature in individuals affected with HSPB1-related conditions. ClinVar contains an entry for this variant (Variation ID: 465268). Invitae Evidence Modeling of protein sequence and biophysical properties (such as structural, functional, and spatial information, amino acid conservation, physicochemical variation, residue mobility, and thermodynamic stability) has been performed for this missense variant. However, the output from this modeling did not meet the statistical confidence thresholds required to predict the impact of this variant on HSPB1 protein function. In summary, the available evidence is currently insufficient to determine the role of this variant in disease. Therefore, it has been classified as a Variant of Uncertain Significance.

MGZ Medical Genetics Center
Classification: Uncertain significance for Charcot-Marie-Tooth disease axonal type 2F. Last evaluated: 2021-09-29. Review status: criteria provided, single submitter. Criteria: ACMG Guidelines, 2015. Collection method: clinical testing. Allele origin: germline. Affected: yes. Observed: 1 variant allele.
Comment: ACMG criteria applied: PM1, PM2_SUP, PP2, PP3

NM_001540.5(HSPB1):c.229C>T (p.Leu77Phe)

Gene: HSPB1 (heat shock protein family B (small) member 1; plus strand). Cytogenetic location: 7q11.23.
Variant type: single nucleotide variant.
Coding change: c.229C>T on transcript NM_001540.5 (MANE Select); coding-DNA position 229, C replaced by T.
Protein change: p.Leu77Phe; replaces leucine 77 with phenylalanine.
Molecular consequence: missense variant.
Genome position (GRCh38, 1-based): chr7:76,302,941, C>T. VCF-style: chr7-76302941-C-T. GRCh37 (hg19) VCF-style: chr7-75932258-C-T.
Other names: c.229C>T (LRG_248t1); short protein forms L77F.
Identifiers: ClinVar variation 465268 (VCV000465268.15), dbSNP rs1231796327, ClinGen allele CA367763159.